The following is an entry in ClinVar:

ClinVar aggregate classification (germline): Uncertain significance (1 of 4 stars; one submission).

Conditions:
Multiple acyl-CoA dehydrogenase deficiency (MADD). Also called: ETHYLMALONIC-ADIPICACIDURIA; GA II; Glutaric Acidemia type 2; Glutaric aciduria, type 2; Glutaric acidemia type II; GA 2. Identifiers: Orphanet 26791, MedGen C0268596, MONDO:0009282, OMIM 231680.

Allele frequency attached by ClinVar (database versions not stated): TOPMed below 0.00001.
gnomAD v4.1: 4 of 1,559,660 alleles (0.00026%); highest among the groups gnomAD compares: Middle Eastern, 0.052%; no homozygotes.

Submission:

Labcorp Genetics (formerly Invitae), Labcorp
Classification: Uncertain significance for Multiple acyl-CoA dehydrogenase deficiency. Last evaluated: 2021-09-08. Review status: criteria provided, single submitter. Criteria: Invitae Variant Classification Sherloc (09022015). Collection method: clinical testing. Allele origin: germline.
Comment: This sequence change replaces arginine with glutamine at codon 11 of the ETFA protein (p.Arg11Gln). The arginine residue is moderately conserved and there is a small physicochemical difference between arginine and glutamine. The frequency data for this variant in the population databases is considered unreliable, as metrics indicate insufficient coverage at this position in the ExAC database. This variant has not been reported in the literature in individuals with ETFA-related disease. Algorithms developed to predict the effect of missense changes on protein structure and function (SIFT, PolyPhen-2, Align-GVGD) all suggest that this variant is likely to be tolerated, but these predictions have not been confirmed by published functional studies and their clinical significance is uncertain. In summary, the available evidence is currently insufficient to determine the role of this variant in disease. Therefore, it has been classified as a Variant of Uncertain Significance.

NM_000126.4(ETFA):c.32G>A (p.Arg11Gln)

Gene: ETFA (electron transfer flavoprotein subunit alpha; minus strand). Cytogenetic location: 15q24.3.
Variant type: single nucleotide variant.
Coding change: c.32G>A on transcript NM_000126.4 (MANE Select); coding-DNA position 32, G replaced by A.
Protein change: p.Arg11Gln; replaces arginine 11 with glutamine.
Molecular consequence: missense variant.
Genome position (GRCh38, 1-based): chr15:76,311,357, C>T on the plus strand (G>A on the coding strand, the complement: ETFA is on the minus strand). VCF-style: chr15-76311357-C-T. GRCh37 (hg19) VCF-style: chr15-76603698-C-T.
Other names: c.32G>A, p.Arg11Gln (NM_001127716.2); short protein forms R11Q.
Identifiers: ClinVar variation 2145964 (VCV002145964.1), dbSNP rs1235326434, ClinGen allele CA393519527.